The following is an entry in ClinVar:

ClinVar aggregate classification (germline): Uncertain significance (1 of 4 stars; one submission).

Allele frequency attached by ClinVar (database versions not stated): gnomAD 0.00003; ExAC 0.00004; TOPMed 0.00004; ESP Exome Variant Server 0.00008.
gnomAD v4.1: 29 of 1,613,928 alleles (0.0018%); highest among the groups gnomAD compares: Admixed American, 0.015%; no homozygotes.

Submission:

Labcorp Genetics (formerly Invitae), Labcorp
Classification: Uncertain significance. Last evaluated: 2022-03-20. Review status: criteria provided, single submitter. Criteria: Invitae Variant Classification Sherloc (09022015). Collection method: clinical testing. Allele origin: germline.
Comment: In summary, the available evidence is currently insufficient to determine the role of this variant in disease. Therefore, it has been classified as a Variant of Uncertain Significance. Algorithms developed to predict the effect of missense changes on protein structure and function are either unavailable or do not agree on the potential impact of this missense change (SIFT: "Deleterious"; PolyPhen-2: "Probably Damaging"; Align-GVGD: "Class C0"). This variant has not been reported in the literature in individuals affected with REL-related conditions. This variant is present in population databases (rs367805383, gnomAD 0.02%). This sequence change replaces proline, which is neutral and non-polar, with histidine, which is basic and polar, at codon 256 of the REL protein (p.Pro256His).

NM_001291746.2(REL):c.767C>A (p.Pro256His)

Gene: REL (REL proto-oncogene, NF-kB subunit; plus strand). Cytogenetic location: 2p16.1.
Variant type: single nucleotide variant.
Coding change: c.767C>A on transcript NM_001291746.2 (MANE Select); coding-DNA position 767, C replaced by A.
Protein change: p.Pro256His; replaces proline 256 with histidine.
Molecular consequence: missense variant.
Genome position (GRCh38, 1-based): chr2:60,918,520, C>A. VCF-style: chr2-60918520-C-A. GRCh37 (hg19) VCF-style: chr2-61145655-C-A.
Other names: c.767C>A, p.Pro256His (NM_002908.4); short protein forms P256H.
Identifiers: ClinVar variation 2176381 (VCV002176381.2), dbSNP rs367805383, ClinGen allele CA1672304.